The following is an entry in ClinVar:

ClinVar aggregate classification (germline): Uncertain significance (1 of 4 stars; one submission).

Allele frequency attached by ClinVar (database versions not stated): ESP Exome Variant Server 0.00008; ExAC 0.00001.
gnomAD v4.1: 7 of 1,614,036 alleles (0.00043%); highest among the groups gnomAD compares: African/African-American, 0.0093%; no homozygotes.

Submission:

Labcorp Genetics (formerly Invitae), Labcorp
Classification: Uncertain significance. Last evaluated: 2022-07-06. Review status: criteria provided, single submitter. Criteria: Invitae Variant Classification Sherloc (09022015). Collection method: clinical testing. Allele origin: germline.
Comment: This sequence change replaces methionine, which is neutral and non-polar, with leucine, which is neutral and non-polar, at codon 4091 of the USH2A protein (p.Met4091Leu). This variant is present in population databases (rs144168442, gnomAD 0.02%). This variant has not been reported in the literature in individuals affected with USH2A-related conditions. ClinVar contains an entry for this variant (Variation ID: 1415300). Algorithms developed to predict the effect of missense changes on protein structure and function output the following: SIFT: "Tolerated"; PolyPhen-2: "Benign"; Align-GVGD: "Class C0". The leucine amino acid residue is found in multiple mammalian species, which suggests that this missense change does not adversely affect protein function. In summary, the available evidence is currently insufficient to determine the role of this variant in disease. Therefore, it has been classified as a Variant of Uncertain Significance.

NM_206933.4(USH2A):c.12271A>T (p.Met4091Leu)

Gene: USH2A (usherin; minus strand). Cytogenetic location: 1q41.
Variant type: single nucleotide variant.
Coding change: c.12271A>T on transcript NM_206933.4 (MANE Select); coding-DNA position 12271, A replaced by T.
Protein change: p.Met4091Leu; replaces methionine 4091 with leucine.
Molecular consequence: missense variant.
Genome position (GRCh38, 1-based): chr1:215,680,172, T>A on the plus strand (A>T on the coding strand, the complement: USH2A is on the minus strand). VCF-style: chr1-215680172-T-A. GRCh37 (hg19) VCF-style: chr1-215853514-T-A.
Other names: short protein forms M4091L.
Identifiers: ClinVar variation 1415300 (VCV001415300.5), dbSNP rs144168442, ClinGen allele CA1393513.